The following is an entry in ClinVar:

ClinVar aggregate classification (germline): Uncertain significance (1 of 4 stars; one submission).

Allele frequency attached by ClinVar (database versions not stated): gnomAD exomes below 0.00001; gnomAD 0.00001; ExAC 0.00005; 1000 Genomes Project 30x 0.00016.
gnomAD v4.1: 3 of 1,551,356 alleles (0.00019%); highest among the groups gnomAD compares: Admixed American, 0.002%; no homozygotes.

Submission:

Labcorp Genetics (formerly Invitae), Labcorp
Classification: Uncertain significance. Last evaluated: 2022-02-02. Review status: criteria provided, single submitter. Criteria: Invitae Variant Classification Sherloc (09022015). Collection method: clinical testing. Allele origin: germline.
Comment: This sequence change replaces glutamine, which is neutral and polar, with arginine, which is basic and polar, at codon 1363 of the EYS protein (p.Gln1363Arg). This variant is not present in population databases (gnomAD no frequency). This variant has not been reported in the literature in individuals affected with EYS-related conditions. Algorithms developed to predict the effect of missense changes on protein structure and function output the following: SIFT: "Tolerated"; PolyPhen-2: "Benign"; Align-GVGD: "Class C0". The arginine amino acid residue is found in multiple mammalian species, which suggests that this missense change does not adversely affect protein function. In summary, the available evidence is currently insufficient to determine the role of this variant in disease. Therefore, it has been classified as a Variant of Uncertain Significance.

NM_001142800.2(EYS):c.4088A>G (p.Gln1363Arg)

Gene: EYS (eyes shut homolog; minus strand). Cytogenetic location: 6q12.
Variant type: single nucleotide variant.
Coding change: c.4088A>G on transcript NM_001142800.2 (MANE Select); coding-DNA position 4088, A replaced by G.
Protein change: p.Gln1363Arg; replaces glutamine 1363 with arginine.
Molecular consequence: missense variant.
Genome position (GRCh38, 1-based): chr6:64,591,779, T>C on the plus strand (A>G on the coding strand, the complement: EYS is on the minus strand). VCF-style: chr6-64591779-T-C. GRCh37 (hg19) VCF-style: chr6-65301672-T-C.
Other names: c.4088A>G, p.Gln1363Arg (NM_001292009.2); short protein forms Q1363R.
Identifiers: ClinVar variation 2092068 (VCV002092068.1), dbSNP rs771452273, ClinGen allele CA3877109.